The following is an entry in ClinVar:

NM_000264.5(PTCH1):c.2890C>T (p.Pro964Ser)

Gene: PTCH1 (patched 1; minus strand). Cytogenetic location: 9q22.32.
Variant type: single nucleotide variant.
Coding change: c.2890C>T on transcript NM_000264.5 (MANE Select); coding-DNA position 2890, C replaced by T.
Protein change: p.Pro964Ser; replaces proline 964 with serine.
Molecular consequence: missense variant. On other transcripts: non-coding transcript variant (1).
Genome position (GRCh38, 1-based): chr9:95,458,291, G>A on the plus strand (C>T on the coding strand, the complement: PTCH1 is on the minus strand). VCF-style: chr9-95458291-G-A. GRCh37 (hg19) VCF-style: chr9-98220573-G-A.
Other names: c.2734C>T, p.Pro912Ser (NM_001354918.2); c.2692C>T, p.Pro898Ser (NM_001083602.3); c.2887C>T, p.Pro963Ser (NM_001083603.3); c.2437C>T, p.Pro813Ser (NM_001083604.3, NM_001083605.3, NM_001083606.3 and 1 more transcripts); short protein forms P813S, P898S, P963S, P912S, P964S.
Identifiers: ClinVar variation 5027566 (VCV005027566.1).

ClinVar aggregate classification (germline): Uncertain significance (1 of 4 stars; one submission).

Conditions:
Hereditary cancer-predisposing syndrome. Also called: Neoplastic Syndromes, Hereditary; Tumor predisposition; Hereditary neoplastic syndrome; Hereditary Cancer Syndrome. Identifiers: Orphanet 140162, MedGen C0027672, MeSH D009386, MONDO:0015356.

Submission:

Ambry Genetics
Classification: Uncertain significance for Hereditary cancer-predisposing syndrome. Last evaluated: 2026-09-04. Review status: criteria provided, single submitter. Criteria: Ambry Variant Classification Scheme 2023. Collection method: clinical testing. Allele origin: germline.
Comment: The p.P964S variant (also known as c.2890C>T), located in coding exon 18 of the PTCH1 gene, results from a C to T substitution at nucleotide position 2890. The proline at codon 964 is replaced by serine, an amino acid with similar properties. This amino acid position is conserved. In addition, this alteration is predicted to be deleterious by in silico analysis. Based on the available evidence, the clinical significance of this variant remains unclear.